The following is an entry in ClinVar:

NM_033026.6(PCLO):c.4591A>T (p.Thr1531Ser)

Gene: PCLO (piccolo presynaptic cytomatrix protein; minus strand). Cytogenetic location: 7q21.11.
Variant type: single nucleotide variant.
Coding change: c.4591A>T on transcript NM_033026.6 (MANE Select); coding-DNA position 4591, A replaced by T.
Protein change: p.Thr1531Ser; replaces threonine 1531 with serine.
Molecular consequence: missense variant.
Genome position (GRCh38, 1-based): chr7:82,956,362, T>A on the plus strand (A>T on the coding strand, the complement: PCLO is on the minus strand). VCF-style: chr7-82956362-T-A. GRCh37 (hg19) VCF-style: chr7-82585678-T-A.
Other names: c.4591A>T, p.Thr1531Ser (NM_014510.3); short protein forms T1531S.
Identifiers: ClinVar variation 1525524 (VCV001525524.8), dbSNP rs2115575228, ClinGen allele CA367926428.

ClinVar aggregate classification (germline): Uncertain significance (1 of 4 stars; one submission).

Submission:

Labcorp Genetics (formerly Invitae), Labcorp
Classification: Uncertain significance. Last evaluated: 2022-08-16. Review status: criteria provided, single submitter. Criteria: Invitae Variant Classification Sherloc (09022015). Collection method: clinical testing. Allele origin: germline.
Comment: This variant is not present in population databases (gnomAD no frequency). In summary, the available evidence is currently insufficient to determine the role of this variant in disease. Therefore, it has been classified as a Variant of Uncertain Significance. Algorithms developed to predict the effect of missense changes on protein structure and function are either unavailable or do not agree on the potential impact of this missense change (SIFT: "Tolerated"; PolyPhen-2: "Not Available"; Align-GVGD: "Class C0"). ClinVar contains an entry for this variant (Variation ID: 1525524). This variant has not been reported in the literature in individuals affected with PCLO-related conditions. This sequence change replaces threonine, which is neutral and polar, with serine, which is neutral and polar, at codon 1531 of the PCLO protein (p.Thr1531Ser).